The following is an entry in ClinVar:

ClinVar aggregate classification (germline): Uncertain significance. Review status: criteria provided, multiple submitters, no conflicts (2 of 4 stars). 2 submissions from 2 submitters: Uncertain significance (2). Last evaluated 2023-11-18.

Conditions:
Congenital factor VII deficiency. Identifiers: Orphanet 327, MedGen C0272320, MONDO:0009211, OMIM 227500.
Inborn genetic diseases. Identifiers: MedGen C0950123, MeSH D030342.

Allele frequency attached by ClinVar (database versions not stated): gnomAD 0.00008; 1000 Genomes Project 0.00020; 1000 Genomes Project 30x 0.00016; ExAC 0.00006; TOPMed 0.00014.
gnomAD v4.1: 77 of 1,613,074 alleles (0.0048%); highest among the groups gnomAD compares: East Asian, 0.074%; no homozygotes.

Submissions (2):

Ambry Genetics
Classification: Uncertain significance for Inborn genetic diseases. Last evaluated: 2023-11-18. Review status: criteria provided, single submitter. Criteria: Ambry Variant Classification Scheme 2023. Collection method: clinical testing. Allele origin: germline.

Neuberg Centre For Genomic Medicine, NCGM
Classification: Uncertain significance for Congenital factor VII deficiency. Last evaluated: 2023-05-20. Review status: criteria provided, single submitter. Criteria: ACMG Guidelines, 2015. Collection method: clinical testing. Allele origin: germline. Inheritance: Autosomal recessive inheritance. Affected: yes.
Comment: The missense variant c.1058G>A(p.Arg353Gln) in F7 gene has been reported as a polymorphic marker in individual(s) with F7 related disorders (Pushkov et al. 2011; Lane A et. al., 1996). The observed variant has allele frequency of 0.005% in gnomAD exomes database. This variant has not been submitted to the ClinVar database. Multiple lines of computational evidence (Polyphen - Benign, SIFT - Tolerated and MutationTaster - Polymorphism) predict no damaging effect on protein structure and function for this variant. The amino acid Arg at position 353 is changed to a Gln changing protein sequence and it might alter its composition and physico-chemical properties. For these reasons, this variant has been classified as Uncertain Significance (VUS). In the absence of another reportable variant in F7 gene, the molecular diagnosis is not confirmed.

NM_019616.4(F7):c.1058G>A (p.Arg353Gln)

Gene: F7 (coagulation factor VII; plus strand). Cytogenetic location: 13q34.
Variant type: single nucleotide variant.
Coding change: c.1058G>A on transcript NM_019616.4 (MANE Select); coding-DNA position 1058, G replaced by A.
Protein change: p.Arg353Gln; replaces arginine 353 with glutamine.
Molecular consequence: missense variant. On other transcripts: non-coding transcript variant (1).
Genome position (GRCh38, 1-based): chr13:113,118,731, G>A. VCF-style: chr13-113118731-G-A. GRCh37 (hg19) VCF-style: chr13-113773045-G-A.
Other names: c.1124G>A, p.Arg375Gln (NM_000131.5); c.872G>A, p.Arg291Gln (NM_001267554.2); short protein forms R353Q, R375Q, R291Q.
Identifiers: ClinVar variation 3091481 (VCV003091481.2), dbSNP rs201058276, ClinGen allele CA7060225.